The following is an entry in ClinVar:

NM_000277.3(PAH):c.913-3C>G

Gene: PAH (phenylalanine hydroxylase; minus strand). Cytogenetic location: 12q23.2.
Variant type: single nucleotide variant.
Coding change: c.913-3C>G on transcript NM_000277.3 (MANE Select); 3 bases into the intron before coding-DNA position 913, C replaced by G.
Molecular consequence: intron variant.
Genome position (GRCh38, 1-based): chr12:102,846,954, G>C on the plus strand (C>G on the coding strand, the complement: PAH is on the minus strand). VCF-style: chr12-102846954-G-C. GRCh37 (hg19) VCF-style: chr12-103240732-G-C.
Other names: c.913-3C>G (NM_001354304.2).
Identifiers: ClinVar variation 120294 (VCV000120294.3), dbSNP rs281865451, ClinGen allele CA267686.
Genomic context (GRCh38, chr12:102,846,954, plus strand): 5'-CTGTGGCGAGCTTTTCAATGTATTCATCAGGTGCACCCAGAGAGGCAAGGCCAATTTCCT[G>C]TAATTGGGGGAAAATAGAACCTGTTCTGTTCCTGTAATTGGAACCACAGAACCAACCTAG-3'

ClinVar aggregate classification (germline): Uncertain significance. Review status: reviewed by expert panel (3 of 4 stars). 2 submissions from 2 submitters: Uncertain significance (1). 1 of the submissions does not count toward it. Last evaluated 2019-11-08.

Conditions:
Phenylketonuria (PKU). Also called: Phenylketonuria (PKU); FOLLING DISEASE; OLIGOPHRENIA PHENYLPYRUVICA; Phenylketonurias. Identifiers: Orphanet 716, MedGen C0031485, MONDO:0009861, OMIM 261600. Disease mechanism: loss of function.

Submissions (2):

ClinGen PAH Variant Curation Expert Panel
Classification: Uncertain significance for Phenylketonuria. Last evaluated: 2019-11-08. Review status: reviewed by expert panel. Criteria: ClinGen PAH ACMG Specifications v1. Collection method: curation. Allele origin: germline. Inheritance: Autosomal recessive inheritance.
Comment: The c.913-3C>G variant in PAH is reported Likely Pathogenic in ClinVar (see variant ID 120294) by one laboratory, which states that it was found in a PKU patient but does not provide further information to support their classification. It does not appear to have been reported in the published literature. The variant is a non-canonical splice variant in PAH; it is predicted to result in altered splicing by relevant in-silico predictors, e.g., Human Splicing Finder, dbSNV ADA score 0.9997 (PP3). It is absent from ethnically diverse control databases, including gnomAD/ExAC, 1000 Genomes, and ESP (PM2). In summary, this variant meets criteria to be classified as uncertain significance for PAH. PAH-specific ACMG/AMP criteria applied: PM2, PP3.

Inserm U 954, Faculté de Médecine de Nancy
Classification: Likely pathogenic for Phenylketonuria. Review status: no assertion criteria provided. Collection method: not provided. Allele origin: unknown. Not counted in ClinVar's aggregate classification.
ClinVar note: Converted during submission from probable-pathogenic to Likely pathogenic.